The following is an entry in ClinVar:

NM_001166345.3(MDFIC):c.-158GGA[5]

Genes: MDFIC (MyoD family inhibitor domain containing; plus strand), LOC129999151 (ATAC-STARR-seq lymphoblastoid silent region 18550; plus strand). Cytogenetic location: 7q31.1.
Variant type: Microsatellite.
Coding change: c.-158GGA[5] on transcript NM_001166345.3 (MANE Select); five copies in a row of the 3-base unit GGA starting at c.-158; the reference has six copies in a row; one copy, 3 bases deleted.
Molecular consequence: 5 prime UTR variant. On other transcripts: inframe deletion (2).
Genome position (GRCh38, 1-based): chr7:114,922,601-114,922,603, GGA deleted; deleting any 3 consecutive bases within chr7:114,922,584-114,922,603 gives the same sequence; the position shown is the placement nearest the transcript's 3' end. VCF-style (leftmost placement, unchanged base first): chr7-114922583-AGAG-A. GRCh37 (hg19) VCF-style: chr7-114562638-AGAG-A.
Other names: c.170GGA[5], p.Arg62del (NM_001166346.1, NM_199072.5); short protein forms R62del.
Identifiers: ClinVar variation 3346872 (VCV003346872.1).

ClinVar aggregate classification (germline): Likely benign (0 of 4 stars; one submission).

Conditions:
MDFIC-related disorder. Also called: MDFIC-related condition.

Submission:

PreventionGenetics, part of Exact Sciences
Classification: Likely benign for MDFIC-related condition. Last evaluated: 2024-06-13. Review status: no assertion criteria provided. Collection method: clinical testing. Allele origin: germline.
Comment: This variant is classified as likely benign based on ACMG/AMP sequence variant interpretation guidelines (Richards et al. 2015 PMID: 25741868, with internal and published modifications).